The following is an entry in ClinVar:

ClinVar aggregate classification (germline): Uncertain significance. Review status: criteria provided, multiple submitters, no conflicts (2 of 4 stars). 2 submissions from 2 submitters: Uncertain significance (2). Last evaluated 2025-04-20.

Conditions:
Inborn genetic diseases. Identifiers: MedGen C0950123, MeSH D030342.

Allele frequency attached by ClinVar (database versions not stated): gnomAD 0.00001; gnomAD exomes 0.00001; TOPMed 0.00001.
gnomAD v4.1: 16 of 1,613,964 alleles (0.00099%); highest among the groups gnomAD compares: East Asian, 0.0067%; no homozygotes.

Submissions (2):

Ambry Genetics
Classification: Uncertain significance for Inborn genetic diseases. Last evaluated: 2025-04-20. Review status: criteria provided, single submitter. Criteria: Ambry Variant Classification Scheme 2023. Collection method: clinical testing. Allele origin: germline.

Labcorp Genetics (formerly Invitae), Labcorp
Classification: Uncertain significance. Last evaluated: 2022-08-24. Review status: criteria provided, single submitter. Criteria: Invitae Variant Classification Sherloc (09022015). Collection method: clinical testing. Allele origin: germline.
Comment: Algorithms developed to predict the effect of missense changes on protein structure and function (SIFT, PolyPhen-2, Align-GVGD) all suggest that this variant is likely to be disruptive. This sequence change replaces arginine, which is basic and polar, with cysteine, which is neutral and slightly polar, at codon 353 of the ZBTB18 protein (p.Arg353Cys). This variant is not present in population databases (gnomAD no frequency). This variant has not been reported in the literature in individuals affected with ZBTB18-related conditions. In summary, the available evidence is currently insufficient to determine the role of this variant in disease. Therefore, it has been classified as a Variant of Uncertain Significance.

NM_205768.3(ZBTB18):c.1057C>T (p.Arg353Cys)

Gene: ZBTB18 (zinc finger and BTB domain containing 18; plus strand). Cytogenetic location: 1q44.
Variant type: single nucleotide variant.
Coding change: c.1057C>T on transcript NM_205768.3 (MANE Select); coding-DNA position 1057, C replaced by T.
Protein change: p.Arg353Cys; replaces arginine 353 with cysteine.
Molecular consequence: missense variant.
Genome position (GRCh38, 1-based): chr1:244,054,831, C>T. VCF-style: chr1-244054831-C-T. GRCh37 (hg19) VCF-style: chr1-244218133-C-T.
Other names: c.1057C>T (NM_205768.2); c.1030C>T, p.Arg344Cys (NM_001278196.2, NM_006352.5); short protein forms R344C, R353C.
Identifiers: ClinVar variation 1956459 (VCV001956459.6), dbSNP rs1423296558, ClinGen allele CA345674284.